The following is an entry in ClinVar:

NM_000091.5(COL4A3):c.1813G>T (p.Gly605Trp)

Genes: COL4A3 (collagen type IV alpha 3 chain; plus strand), MFF-DT (MFF divergent transcript; minus strand). Cytogenetic location: 2q36.3.
Variant type: single nucleotide variant.
Coding change: c.1813G>T on transcript NM_000091.5 (MANE Select); coding-DNA position 1813, G replaced by T.
Protein change: p.Gly605Trp; replaces glycine 605 with tryptophan.
Molecular consequence: missense variant.
Genome position (GRCh38, 1-based): chr2:227,273,003, G>T. VCF-style: chr2-227273003-G-T. GRCh37 (hg19) VCF-style: chr2-228137719-G-T.
Other names: short protein forms G605W.
Identifiers: ClinVar variation 2072055 (VCV002072055.4), dbSNP rs2469700019, ClinGen allele CA350844846.

ClinVar aggregate classification (germline): Uncertain significance (1 of 4 stars; one submission).

Submission:

Labcorp Genetics (formerly Invitae), Labcorp
Classification: Uncertain significance. Last evaluated: 2025-06-12. Review status: criteria provided, single submitter. Criteria: Invitae Variant Classification Sherloc (09022015). Collection method: clinical testing. Allele origin: germline.
Comment: This sequence change replaces glycine, which is neutral and non-polar, with tryptophan, which is neutral and slightly polar, at codon 605 of the COL4A3 protein (p.Gly605Trp). This variant is not present in population databases (gnomAD no frequency). This missense change has been observed in individual(s) with COL4A3-related conditions (internal data). ClinVar contains an entry for this variant (Variation ID: 2072055). Invitae Evidence Modeling of protein sequence and biophysical properties (such as structural, functional, and spatial information, amino acid conservation, physicochemical variation, residue mobility, and thermodynamic stability) indicates that this missense variant is expected to disrupt COL4A3 protein function with a positive predictive value of 80%. In summary, the available evidence is currently insufficient to determine the role of this variant in disease. Therefore, it has been classified as a Variant of Uncertain Significance.